The following is an entry in ClinVar:

NM_001033561.2(PHF12):c.2317G>A (p.Val773Ile)

Gene: PHF12 (PHD finger protein 12; minus strand). Cytogenetic location: 17q11.2.
Variant type: single nucleotide variant.
Coding change: c.2317G>A on transcript NM_001033561.2 (MANE Select); coding-DNA position 2317, G replaced by A.
Protein change: p.Val773Ile; replaces valine 773 with isoleucine.
Molecular consequence: missense variant.
Genome position (GRCh38, 1-based): chr17:28,910,268, C>T on the plus strand (G>A on the coding strand, the complement: PHF12 is on the minus strand). VCF-style: chr17-28910268-C-T. GRCh37 (hg19) VCF-style: chr17-27237286-C-T.
Other names: c.2317G>A, p.Val773Ile (NM_001290131.2); short protein forms V773I.
Identifiers: ClinVar variation 3349556 (VCV003349556.1).
Genomic context (GRCh38, chr17:28,910,268, plus strand): 5'-AGGTGTGTACATGCGCACCTTCTATGTGGTGCCCTCCAGAAGCCAGCTGATGTGTCCCGA[C>T]ACTGCCCGGTGAAGGTTGGACCCGGGAGGGGAAAAGCTGATGTATTCTCTGCAAGGCCAG-3'
Protein context (NP_001028733.1, residues 763-783): PSRVQPSPGS[Val773Ile]GTHQLASGGH

ClinVar aggregate classification (germline): Uncertain significance (0 of 4 stars; one submission).

Conditions:
PHF12-related disorder. Also called: PHF12-related condition.

Submission:

PreventionGenetics, part of Exact Sciences
Classification: Uncertain significance for PHF12-related condition. Last evaluated: 2024-04-22. Review status: no assertion criteria provided. Collection method: clinical testing. Allele origin: germline.
Comment: The PHF12 c.2317G>A variant is predicted to result in the amino acid substitution p.Val773Ile. To our knowledge, this variant has not been reported in the literature or in a large population database, indicating this variant is rare. At this time, the clinical significance of this variant is uncertain due to the absence of conclusive functional and genetic evidence.